The following is an entry in ClinVar:

ClinVar aggregate classification (germline): Uncertain significance (1 of 4 stars; one submission).

Conditions:
Polycystic kidney disease, adult type (PKD1). Also called: POLYCYSTIC KIDNEY DISEASE, ADULT, TYPE I; Polycystic Kidney Disease 1, Autosomal Dominant; Polycystic kidney disease 1; Polycystic kidney disease 1, severe; POLYCYSTIC KIDNEY DISEASE 1 WITH OR WITHOUT POLYCYSTIC LIVER DISEASE; Polycystic Kidney, Autosomal Dominant. Identifiers: MedGen C3149841, MONDO:0008263, OMIM 173900.

Submission:

Dasa
Classification: Uncertain significance for Polycystic kidney disease, adult type. Last evaluated: 2026-04-23. Review status: criteria provided, single submitter. Criteria: DASA Assertion Criteria. Collection method: clinical testing. Allele origin: germline.
Comment: NM_001009944.3(PKD1):c.11713-108_11713-5del affects a canonical splice site and is predicted to disrupt normal RNA splicing, leading to loss of normal protein function. Loss-of-function is an established mechanism of disease for this gene. Multiple computational predictions support a deleterious effect on the gene or gene product. The variant is present at low frequency in population datasets. Based on the available data, this variant is classified as variant of uncertain significance.

NM_001009944.3(PKD1):c.11713-108_11713-5del

Gene: PKD1 (polycystin 1, transient receptor potential channel interacting; minus strand). Cytogenetic location: 16p13.3.
Variant type: Deletion.
Coding change: c.11713-108_11713-5del on transcript NM_001009944.3 (MANE Select); 108 bases into the intron before coding-DNA position 11713 through 5 bases into the intron before coding-DNA position 11713, 104 bases deleted.
Molecular consequence: intron variant.
Genome position (GRCh38, 1-based): chr16:2,091,179-2,091,282, 104 bases deleted. GRCh37 (hg19): chr16:2,141,184-2,141,287.
Other names: c.11710-108_11710-5del (NM_000296.4).
Identifiers: ClinVar variation 4851838 (VCV004851838.1).